The following is an entry in ClinVar:

ClinVar aggregate classification (germline): Conflicting classifications of pathogenicity. Review status: criteria provided, conflicting classifications (1 of 4 stars). 5 submissions from 5 submitters: Likely pathogenic (1); Uncertain significance (2). 2 of the submissions do not count toward it. Last evaluated 2025-06-01.

Conditions:
Hereditary breast ovarian cancer syndrome. Also called: Hereditary breast and ovarian cancer syndrome (HBOC); BRCA1- and BRCA2-Associated Hereditary Breast and Ovarian Cancer; Hereditary breast and/or ovarian cancer syndrome; Hereditary breast and ovarian cancer syndrome; Hereditary breast and ovarian cancer; Breast and ovarian cancer. Identifiers: Orphanet 145, MedGen C0677776, MeSH D061325, MONDO:0003582. Disease mechanism: loss of function.
Breast and/or ovarian cancer. Identifiers: MedGen CN221562.
Hereditary cancer-predisposing syndrome. Also called: Neoplastic Syndromes, Hereditary; Hereditary neoplastic syndrome; Tumor predisposition; Hereditary Cancer Syndrome. Identifiers: Orphanet 140162, MedGen C0027672, MeSH D009386, MONDO:0015356.
Breast-ovarian cancer, familial, susceptibility to, 1 (BROVCA1). Also called: BRCA1 Hereditary Breast and Ovarian Cancer; OVARIAN CANCER, SUSCEPTIBILITY TO. Identifiers: Orphanet 145, MedGen C2676676, MONDO:0011450, OMIM 604370. Disease mechanism: loss of function.

Submissions (6):

Labcorp Genetics (formerly Invitae), Labcorp
Classification: Uncertain significance for Hereditary breast ovarian cancer syndrome. Last evaluated: 2025-06-01. Review status: criteria provided, single submitter. Criteria: Invitae Variant Classification Sherloc (09022015). Collection method: clinical testing. Allele origin: germline.
Comment: This sequence change replaces histidine, which is basic and polar, with tyrosine, which is neutral and polar, at codon 1746 of the BRCA1 protein (p.His1746Tyr). This variant is not present in population databases (gnomAD no frequency). This variant has not been reported in the literature in individuals affected with BRCA1-related conditions. ClinVar contains an entry for this variant (Variation ID: 433726). Invitae Evidence Modeling incorporating data from in vitro experimental studies (PMID: 30209399) indicates that this missense variant is expected to disrupt BRCA1 function with a positive predictive value of 95%. In summary, the available evidence is currently insufficient to determine the role of this variant in disease. Therefore, it has been classified as a Variant of Uncertain Significance.

Ambry Genetics
Classification: Likely pathogenic for Hereditary cancer-predisposing syndrome. Last evaluated: 2024-06-27. Review status: criteria provided, single submitter. Criteria: Ambry Variant Classification Scheme 2023. Collection method: clinical testing. Allele origin: germline.
Comment: The p.H1746Y variant (also known as c.5236C>T), located in coding exon 18 of the BRCA1 gene, results from a C to T substitution at nucleotide position 5236. The histidine at codon 1746 is replaced by tyrosine, an amino acid with similar properties. One functional study found that this nucleotide substitution is non-functional in a high throughput genome editing haploid cell survival assay (Findlay GM et al. Nature, 2018 Oct;562:217-222). Another variant at the same codon, p.H1746D (c.5236C>G), has been described as deleterious in a high throughput genome editing haploid cell survival assay (Findlay GM et al. Nature, 2018 10;562:217-222). This amino acid position is highly conserved in available vertebrate species. In addition, this alteration is predicted to be deleterious by in silico analysis. This variant is considered to be rare based on population cohorts in the Genome Aggregation Database (gnomAD). Based on the majority of available evidence to date, this variant is likely to be pathogenic.

Quest Diagnostics Nichols Institute San Juan Capistrano
Classification: Uncertain significance. Last evaluated: 2024-06-13. Review status: criteria provided, single submitter. Criteria: Quest Diagnostics criteria. Collection method: clinical testing. Allele origin: unknown.
Comment: The BRCA1 c.5236C>T (p.His1746Tyr) variant has been reported in one functional study using a haploid cell line as having lost functional activity (PMID: 30209399 (2018)). This variant has not been reported in large, multi-ethnic general populations (Genome Aggregation Database). Analysis of this variant using bioinformatics tools for the prediction of the effect of amino acid changes on protein structure and function yielded predictions that this variant is benign. Based on the available information, we are unable to determine the clinical significance of this variant.

Foulkes Cancer Genetics LDI, Lady Davis Institute for Medical Research
Classification: Uncertain significance for Breast and/or ovarian cancer. Last evaluated: 2013-04-08. Review status: no assertion criteria provided. Collection method: clinical testing. Allele origin: germline. Study: The Canadian Open Genetics Repository (COGR). Not counted in ClinVar's aggregate classification.

Brotman Baty Institute, University of Washington
No classification provided (evidence only). Condition: Breast-ovarian cancer, familial 1. Review status: no classification provided. Collection method: in vitro. Allele origin: not applicable. Functional consequence: functionally_abnormal. Not counted in ClinVar's aggregate classification.
ClinVar note: "not provided" was previously submitted as the classification for the variant. However, the classification appeared to be based only on an observation of functional data so it was converted to no classification on 2025-07-30.

Department of Pathology and Laboratory Medicine, Sinai Health System
Classification: Uncertain significance for Breast-ovarian cancer, familial, susceptibility to, 1. Review status: no assertion criteria provided. Collection method: clinical testing. Allele origin: unknown. Affected: yes. Study: The Canadian Open Genetics Repository (COGR). Not counted in ClinVar's aggregate classification.
Comment: The BRCA1 p.His1746Tyr variant has not been previously reported. The p.His1746 residue is conserved across mammals and lower organisms and computational analyses (PolyPhen2, SIFT, AlignGVGD) suggest that the variant may impact the protein. However, this information is not predictive enough to assume pathogenicity. The variant occurs outside of the splicing consensus sequence and in-silico or computational prediction software (SpliceSiteFinder, MaxEntScan, NNSPLICE, GeneSplicer, HumanSpliceFinder) does not predict a difference in splicing. Another missense alteration at the same amino acid position (c.5236C>A, p.His1746Asn) has been reported in HGMD, UMD, BIC, and LOVD with unknown clinical significance. In summary, based on the above information, the clinical significance of this variant cannot be determined at this time. Therefore this variant is classified as a variant of unknown significance.

Literature cited by the submitters: PubMed 30209399 (cited by 3 submitters).

NM_007294.4(BRCA1):c.5236C>T (p.His1746Tyr)

Gene: BRCA1 (BRCA1 DNA repair associated; minus strand). Cytogenetic location: 17q21.31.
Variant type: single nucleotide variant.
Coding change: c.5236C>T on transcript NM_007294.4 (MANE Select); coding-DNA position 5236, C replaced by T.
Protein change: p.His1746Tyr; replaces histidine 1746 with tyrosine.
Molecular consequence: missense variant. On other transcripts: non-coding transcript variant (1).
Genome position (GRCh38, 1-based): chr17:43,057,093, G>A on the plus strand (C>T on the coding strand, the complement: BRCA1 is on the minus strand). VCF-style: chr17-43057093-G-A. GRCh37 (hg19) VCF-style: chr17-41209110-G-A.
Other names: c.5113C>T, p.His1705Tyr (NM_001407919.1, NM_001407937.1, NM_001407938.1 and 6 more transcripts); c.4969C>T, p.His1657Tyr (NM_001407930.1, NM_001407931.1, NM_001407932.1 and 4 more transcripts); c.4966C>T, p.His1656Tyr (NM_001407934.1, NM_001407935.1, NM_001407936.1); c.4903C>T, p.His1635Tyr (NM_001407949.1, NM_001407946.1, NM_001407947.1 and 1 more transcripts); c.4900C>T, p.His1634Tyr (NM_001407950.1, NM_001407951.1, NM_001407952.1 and 3 more transcripts); c.4897C>T, p.His1633Tyr (NM_001407956.1, NM_001407957.1, NM_001407958.1); c.2629C>T, p.His877Tyr (NM_001407969.1); c.1993C>T, p.His665Tyr (NM_001407970.1, NM_001407971.1); and 72 more; short protein forms H1746Y, H1699Y, H1767Y, H642Y, H1449Y, H1656Y, H1676Y, H1718Y.
Identifiers: ClinVar variation 433726 (VCV000433726.8), dbSNP rs80357146, ClinGen allele CA10591068.
Genomic context (GRCh38, chr17:43,057,093, plus strand): 5'-TTGAGGGAGGGAGCTTTACCTTTCTGTCCTGGGATTCTCTTGCTCGCTTTGGACCTTGGT[G>A]GTTTCTTCCATTGACCACATCTCCTCTGACTTCAAAATCATGCTGAAAGAAACCAAACAC-3'
Protein context (NP_009225.1, residues 1736-1756): VRGDVVNGRN[His1746Tyr]QGPKRARESQ